The following is an entry in ClinVar:

NM_015378.4(VPS13D):c.3644G>A (p.Gly1215Asp)

Gene: VPS13D (vacuolar protein sorting 13 homolog D; plus strand). Cytogenetic location: 1p36.22.
Variant type: single nucleotide variant.
Coding change: c.3644G>A on transcript NM_015378.4 (MANE Select); coding-DNA position 3644, G replaced by A.
Protein change: p.Gly1215Asp; replaces glycine 1215 with aspartic acid.
Molecular consequence: missense variant.
Genome position (GRCh38, 1-based): chr1:12,277,232, G>A. VCF-style: chr1-12277232-G-A. GRCh37 (hg19) VCF-style: chr1-12337289-G-A.
Other names: p.Gly1215Asp; c.3644G>A, p.Gly1215Asp (NM_018156.4); short protein forms G1215D.
Identifiers: ClinVar variation 3380848 (VCV003380848.1).

ClinVar aggregate classification (germline): Uncertain significance (1 of 4 stars; one submission).

Submission:

Mayo Clinic Laboratories, Mayo Clinic
Classification: Uncertain significance. Last evaluated: 2024-05-09. Review status: criteria provided, single submitter. Criteria: ACMG Guidelines, 2015. Collection method: clinical testing. Allele origin: germline. Observed: 1 variant allele.
Comment: PP3, PM2